The following is an entry in ClinVar:

ClinVar aggregate classification (germline): Likely benign (1 of 4 stars; one submission).

gnomAD v4.1: 23 of 1,551,684 alleles (0.0015%); highest among the groups gnomAD compares: East Asian, 0.046%; no homozygotes.

Submission:

CeGaT Center for Human Genetics Tuebingen
Classification: Likely benign. Last evaluated: 2026-01-01. Review status: criteria provided, single submitter. Criteria: CeGaT Center For Human Genetics Tuebingen Variant Classification Criteria Version 2. Collection method: clinical testing. Allele origin: germline. Affected: yes. Observed: 1 variant allele.
Comment: SHANK2: BS1

NM_012309.5(SHANK2):c.431T>C (p.Val144Ala)

Gene: SHANK2 (SH3 and multiple ankyrin repeat domains 2; minus strand). Cytogenetic location: 11q13.4.
Variant type: single nucleotide variant.
Coding change: c.431T>C on transcript NM_012309.5 (MANE Select); coding-DNA position 431, T replaced by C.
Protein change: p.Val144Ala; replaces valine 144 with alanine.
Molecular consequence: missense variant. On other transcripts: intron variant (1).
Genome position (GRCh38, 1-based): chr11:71,113,345, A>G on the plus strand (T>C on the coding strand, the complement: SHANK2 is on the minus strand). VCF-style: chr11-71113345-A-G. GRCh37 (hg19) VCF-style: chr11-70824391-A-G.
Other names: c.431T>C, p.Val144Ala (NM_001441024.1, NM_001441025.1, NM_001441026.1 and 12 more transcripts); c.412-3296T>C (NM_001441038.1); short protein forms V144A.
Identifiers: ClinVar variation 4822902 (VCV004822902.4).